The following is an entry in ClinVar:

NM_152564.5(VPS13B):c.10661T>A (p.Leu3554Ter)

Gene: VPS13B (vacuolar protein sorting 13 homolog B; plus strand). Cytogenetic location: 8q22.2.
Variant type: single nucleotide variant.
Coding change: c.10661T>A on transcript NM_152564.5 (MANE Select); coding-DNA position 10661, T replaced by A.
Protein change: p.Leu3554Ter; replaces leucine 3554 with a stop codon.
Molecular consequence: nonsense.
Genome position (GRCh38, 1-based): chr8:99,854,050, T>A. VCF-style: chr8-99854050-T-A. GRCh37 (hg19) VCF-style: chr8-100866278-T-A.
Other names: c.10736T>A, p.Leu3579Ter (NM_017890.5); short protein forms L3554*, L3579*.
Identifiers: ClinVar variation 1725655 (VCV001725655.7), dbSNP rs2492239989, ClinGen allele CA371785049.

ClinVar aggregate classification (germline): Pathogenic/Likely pathogenic. Review status: criteria provided, multiple submitters, no conflicts (2 of 4 stars). 2 submissions from 2 submitters: Pathogenic (1); Likely pathogenic (1). Last evaluated 2022-05-22.

Conditions:
Cohen syndrome (COH1). Also called: PEPPER SYNDROME; Cutis verticis gyrata, retinitis pigmentosa, and sensorineural deafness. Identifiers: Orphanet 193, MedGen C0265223, MONDO:0008999, OMIM 216550.

Submissions (2):

Labcorp Genetics (formerly Invitae), Labcorp
Classification: Pathogenic for Cohen syndrome. Last evaluated: 2022-05-22. Review status: criteria provided, single submitter. Criteria: Invitae Variant Classification Sherloc (09022015). Collection method: clinical testing. Allele origin: germline.
Comment: This sequence change creates a premature translational stop signal (p.Leu3579*) in the VPS13B gene. It is expected to result in an absent or disrupted protein product. Loss-of-function variants in VPS13B are known to be pathogenic (PMID: 15141358, 16648375, 20461111). This variant is not present in population databases (gnomAD no frequency). This variant has not been reported in the literature in individuals affected with VPS13B-related conditions. For these reasons, this variant has been classified as Pathogenic.

Myriad Genetics, Inc.
Classification: Likely pathogenic for Cohen syndrome. Last evaluated: 2022-02-02. Review status: criteria provided, single submitter. Criteria: Myriad Women's Health Autosomal Recessive and X-Linked Classification Criteria (2021). Collection method: clinical testing. Allele origin: unknown.
Comment: NM_017890.4(VPS13B):c.10736T>A(L3579*) is expected to be pathogenic in the context of Cohen syndrome. This variant is predicted to lead to an abnormal or absent protein product due to the creation of a premature termination codon in VPS13B, a gene where loss-of-function variants are known to be pathogenic. Please note: this variant was assessed in the context of healthy population screening.

Literature cited by the submitters: PubMed 15141358 (cited by Labcorp Genetics (formerly Invitae), Labcorp); PubMed 16648375 (cited by Labcorp Genetics (formerly Invitae), Labcorp); PubMed 20461111 (cited by Labcorp Genetics (formerly Invitae), Labcorp).